The following is an entry in ClinVar:

ClinVar aggregate classification (germline): Likely pathogenic. Review status: criteria provided, multiple submitters, no conflicts (2 of 4 stars). 4 submissions from 4 submitters: Likely pathogenic (3). 1 of the submissions does not count toward it. Last evaluated 2023-12-06.

Conditions:
TTN-related disorder. Also called: TTN-related disorders; TTN-related condition; TTN-related disease.
Cardiomyopathy (CMYO). Also called: Cardiomyopathies. Identifiers: Orphanet 167848, MedGen C0878544, MONDO:0004994, HP:0001638. Inheritance: Various modes of inheritance.
Autosomal recessive limb-girdle muscular dystrophy type 2J (LGMDR10). Also called: MUSCULAR DYSTROPHY, LIMB-GIRDLE, AUTOSOMAL RECESSIVE 10; Limb-girdle muscular dystrophy, type 2J. Identifiers: Orphanet 140922, MedGen C1837342, MONDO:0012127, OMIM 608807.
Dilated cardiomyopathy 1G (CMD1G). Identifiers: Orphanet 154, MedGen C1858763, MONDO:0011400, OMIM 604145.

Submissions (4):

Labcorp Genetics (formerly Invitae), Labcorp
Classification: Likely pathogenic for Dilated cardiomyopathy 1G; Autosomal recessive limb-girdle muscular dystrophy type 2J. Last evaluated: 2023-12-06. Review status: criteria provided, single submitter. Criteria: Invitae Variant Classification Sherloc (09022015). Collection method: clinical testing. Allele origin: germline.
Comment: This sequence change creates a premature translational stop signal (p.Asp35339Metfs*66) in the TTN gene. While this is not anticipated to result in nonsense mediated decay, it is expected to create a truncated TTN protein. This variant is not present in population databases (gnomAD no frequency). This variant has not been reported in the literature in individuals affected with TTN-related conditions. ClinVar contains an entry for this variant (Variation ID: 626393). This variant is located in the M band of TTN (PMID: 25589632). Truncating variants in this region have been previously reported in individuals affected with autosomal recessive myopathy and muscular dystrophy (PMID: 18948003, 23975875, 24395473). Truncating variants in this region have also been identified in individuals affected with autosomal dominant dilated cardiomyopathy and/or cardio-related conditions (PMID: 27869827, 32964742). In summary, the currently available evidence indicates that the variant is pathogenic, but additional data are needed to prove that conclusively. Therefore, this variant has been classified as Likely Pathogenic.

CeGaT Center for Human Genetics Tuebingen
Classification: Likely pathogenic. Last evaluated: 2023-12-01. Review status: criteria provided, single submitter. Criteria: CeGaT Center For Human Genetics Tuebingen Variant Classification Criteria Version 2. Collection method: clinical testing. Allele origin: germline. Affected: yes. Observed: 1 variant allele.
Comment: TTN: PVS1:Strong, PM2

Rady Children's Institute for Genomic Medicine, Rady Children's Hospital San Diego
Classification: Likely pathogenic for TTN-Related Disorders. Review status: criteria provided, single submitter. Criteria: ACMG Guidelines, 2015. Collection method: clinical testing. Allele origin: germline. Affected: yes.
Comment: This frameshifting variant in exon 358 of 363 introduces a premature stop codon and is therefore predicted to result in loss of normal protein function through either protein truncation or nonsense-mediated mRNA decay (NMD). This variant has not been previously reported or functionally characterized in the literature to our knowledge. This variant is located in the M-band of TTN (PMID: 25589632). Frameshift variants in the TTN gene have been reported in the databases (Human Gene Mutation Database, ClinVar) in association with cardiomyopathy, with majority of these variants located in the A-band region of TTN (PMID: 22335739). However, majority of truncating variants in the M-band of TTN have been previously reported in affected individuals with various forms of autosomal recessive myopathy and muscular dystrophy (PMID: 18948003, 23975875, 24395473). The c.106015del (p.Asp35339MetfsTer66) variant is absent from the gnomAD population database and thus is presumed to be rare. Based on the available evidence, the c.106015del (p.Asp35339MetfsTer66) variant is classified as Likely Pathogenic.

CHEO Genetics Diagnostic Laboratory, Children's Hospital of Eastern Ontario
Classification: Uncertain significance for Cardiomyopathy. Last evaluated: 2020-06-29. Review status: flagged submission. Criteria: ACMG Guidelines, 2015. Collection method: clinical testing. Allele origin: germline. Study: Canadian Open Genetics Repository. Not counted in ClinVar's aggregate classification.
ClinVar note: Reason: Outlier claim with insufficient supporting evidence

Literature cited by the submitters: PubMed 25589632 (cited by Labcorp Genetics (formerly Invitae), Labcorp); PubMed 18948003 (cited by Labcorp Genetics (formerly Invitae), Labcorp); PubMed 23975875 (cited by Labcorp Genetics (formerly Invitae), Labcorp); PubMed 24395473 (cited by Labcorp Genetics (formerly Invitae), Labcorp); PubMed 27869827 (cited by Labcorp Genetics (formerly Invitae), Labcorp); PubMed 32964742 (cited by Labcorp Genetics (formerly Invitae), Labcorp).

NM_001267550.2(TTN):c.106015del (p.Asp35339fs)

Genes: TTN (titin; minus strand), TTN-AS1 (TTN antisense RNA 1; plus strand), LOC129935182 (ATAC-STARR-seq lymphoblastoid active region 16807; plus strand). Cytogenetic location: 2q31.2.
Variant type: Deletion.
Coding change: c.106015del on transcript NM_001267550.2 (MANE Select); coding-DNA position 106015, one base deleted (G; older notation c.106015delG).
Protein change: p.Asp35339fs; shifts the reading frame from aspartic acid 35339.
Molecular consequence: frameshift variant.
Genome position (GRCh38, 1-based): chr2:178,530,600, C deleted on the plus strand (G on the coding strand, the reverse complement: TTN is on the minus strand). VCF-style (leftmost placement, unchanged base first): chr2-178530599-TC-T. GRCh37 (hg19) VCF-style: chr2-179395326-TC-T.
Other names: c.78820del, p.Asp26274fs (NM_003319.4); c.98311del, p.Asp32771fs (NM_133378.4); c.79195del, p.Asp26399fs (NM_133432.3); c.79396del, p.Asp26466fs (NM_133437.4); c.101092del, p.Asp33698fs (NM_001256850.1); short protein forms D32771fs, D35339fs, D26399fs, D26274fs, D26466fs, D33698fs.
Identifiers: ClinVar variation 626393 (VCV000626393.33), dbSNP rs1558988204, ClinGen allele CA913189591.